The following is an entry in ClinVar:

ClinVar aggregate classification (germline): Pathogenic (1 of 4 stars; one submission).

Conditions:
Hereditary spastic paraplegia 4. Also called: Spastic paraplegia 4, autosomal dominant; Familial spastic paraplegia autosomal dominant 2; Spastic Paraplegia 4. Identifiers: Orphanet 100985, MedGen C1866855, MONDO:0008438, OMIM 182601.

Submission:

Labcorp Genetics (formerly Invitae), Labcorp
Classification: Pathogenic for Hereditary spastic paraplegia 4. Last evaluated: 2023-05-19. Review status: criteria provided, single submitter. Criteria: Invitae Variant Classification Sherloc (09022015). Collection method: clinical testing. Allele origin: unknown.
Comment: For these reasons, this variant has been classified as Pathogenic. This variant disrupts a region of the SPAST protein in which other variant(s) (p.Ser413Leu) have been determined to be pathogenic (PMID: 20550563; Invitae). This suggests that this is a clinically significant region of the protein, and that variants that disrupt it are likely to be disease-causing. Experimental studies and prediction algorithms are not available or were not evaluated, and the functional significance of this variant is currently unknown. A similar copy number variant has been observed in individual(s) with hereditary spastic paraplegia (PMID: 17098887). This variant is a gross deletion of the genomic region encompassing exon(s) 9 of the SPAST gene. This variant would be expected to be in-frame, preserving the integrity of the reading frame.

Literature cited by the submitters: PubMed 20550563; PubMed 17098887.

NC_000002.11:g.(?_32353457)_(32353568_?)del

Gene: SPAST (spastin; plus strand). Cytogenetic location: 2p22.3.
Variant type: Deletion.
Identifiers: ClinVar variation 3247319 (VCV003247319.1).